The following is an entry in ClinVar:

ClinVar aggregate classification (germline): Uncertain significance (1 of 4 stars; one submission).

Conditions:
Glycine encephalopathy 1 (GCE1). Identifiers: MedGen CN376801, MONDO:0958179, OMIM 605899.

Submission:

Kasturba Medical College, Manipal, Kasturba Medical College, Manipal, Manipal Academy of Higher Education, Manipal, India
Classification: Uncertain significance for Glycine encephalopathy 1. Review status: criteria provided, single submitter. Criteria: ACMG Guidelines, 2015. Collection method: research. Allele origin: paternal. Inheritance: Autosomal recessive inheritance. Affected: yes. Observed: 1 heterozygote.
Comment: Validation of the variant and segregation analysis was performed using Sanger sequencing in the proband and the parents. The variant is absent from the gnomAD population database (v4.1) and our in-house dataset of 3,775 exomes. In-silico prediction (SpliceAI) suggests that the variant is likely resulting in aberrant splicing leading to altered transcripts that may result in either formation of a truncated protein product or trigger nonsense-mediated mRNA decay.

NM_000170.3(GLDC):c.861+84T>G

Gene: GLDC (glycine decarboxylase; minus strand). Cytogenetic location: 9p24.1.
Variant type: single nucleotide variant.
Coding change: c.861+84T>G on transcript NM_000170.3 (MANE Select); 84 bases into the intron after coding-DNA position 861, T replaced by G.
Molecular consequence: intron variant.
Genome position (GRCh38, 1-based): chr9:6,605,047, A>C on the plus strand (T>G on the coding strand, the complement: GLDC is on the minus strand). VCF-style: chr9-6605047-A-C. GRCh37 (hg19) VCF-style: chr9-6605047-A-C.
Identifiers: ClinVar variation 4082250 (VCV004082250.1).